The following is an entry in ClinVar:

NM_001360016.2(G6PD):c.1375C>G (p.Arg459Gly)

Gene: G6PD (glucose-6-phosphate dehydrogenase; minus strand). Cytogenetic location: Xq28.
Variant type: single nucleotide variant.
Coding change: c.1375C>G on transcript NM_001360016.2 (MANE Select); coding-DNA position 1375, C replaced by G.
Protein change: p.Arg459Gly; replaces arginine 459 with glycine.
Molecular consequence: missense variant.
Genome position (GRCh38, 1-based): chrX:154,532,270, G>C on the plus strand (C>G on the coding strand, the complement: G6PD is on the minus strand). VCF-style: chrX-154532270-G-C. GRCh37 (hg19) VCF-style: chrX-153760485-G-C.
Other names: G6PD Utah; c.1465C>G, p.Arg489Gly (NM_000402.4); c.1375C>G, p.Arg459Gly (NM_001042351.3); short protein forms R459G, R489G.
Identifiers: ClinVar variation 1722634 (VCV001722634.4), dbSNP rs2070346788, ClinGen allele CA415232663.

ClinVar aggregate classification (germline): Likely pathogenic. Review status: criteria provided, multiple submitters, no conflicts (2 of 4 stars). 3 submissions from 3 submitters: Likely pathogenic (3). Last evaluated 2025-03-07.

Conditions:
Anemia, nonspherocytic hemolytic, due to G6PD deficiency (CNSHA1). Also called: Hemolytic anemia due to G6PD deficiency; Class I glucose-6-phosphate dehydrogenase deficiency; Favism, susceptibility to; ANEMIA, CONGENITAL, NONSPHEROCYTIC HEMOLYTIC, 1. Identifiers: Orphanet 466026, MedGen C2720289, MONDO:0010480, OMIM 300908.
G6PD deficiency. Also called: G6PD A-. Identifiers: MedGen C2939465, MONDO:0005775.

Submissions (3):

Revvity Omics, Revvity
Classification: Likely pathogenic for Anemia, nonspherocytic hemolytic, due to G6PD deficiency. Last evaluated: 2025-03-07. Review status: criteria provided, single submitter. Criteria: ACMG Guidelines, 2015. Collection method: clinical testing. Allele origin: germline.

Women's Health and Genetics/Laboratory Corporation of America, LabCorp
Classification: Likely pathogenic for G6PD deficiency. Last evaluated: 2023-06-28. Review status: criteria provided, single submitter. Criteria: LabCorp Variant Classification Summary - May 2015. Collection method: clinical testing. Allele origin: germline.
Comment: Variant summary: G6PD c.1465C>G (p.Arg489Gly) results in a non-conservative amino acid change in the encoded protein sequence. Other pathogenic variants located at this codon (p.Arg489Pro and p.Arg489Leu) have been reported as fully concordant pathogenic variants in the ClinVar database, supporting the critical relevance of this amino acid residue to protein function. Three of five in-silico tools predict a damaging effect of the variant on protein function. The variant was absent in 181938 control chromosomes. c.1465C>G has been reported in the literature in at least two individuals (mother and son from a single family) affected with Glucose 6 Phosphate Dehydrogenase Deficiency (e.g., Bahr_2020). These data indicate that the variant may be associated with disease. To our knowledge, no experimental evidence demonstrating an impact on protein function has been reported. The following publication has been ascertained in the context of this evaluation (PMID: 32987391). One submitter has cited clinical-significance assessments for this variant to ClinVar after 2014 and has classified the variant as likely pathogenic. Based on the evidence outlined above, the variant was classified as likely pathogenic.

Dunham Lab, University of Washington
Classification: Likely pathogenic for Anemia, nonspherocytic hemolytic, due to G6PD deficiency. Last evaluated: 2022-08-12. Review status: criteria provided, single submitter. Criteria: Bayesian ACMG Guidelines, 2018. Collection method: curation. Allele origin: maternal. Affected: yes.
Comment: Decreased actvity in red blood cells (17-28%) (PS3). Not found in gnomAD (PM2). Post_P 0.975 (odds of pathogenicity 350.3, Prior_P 0.1).

Literature cited by the submitters: PubMed 32987391 (cited by Women's Health and Genetics/Laboratory Corporation of America, LabCorp and Dunham Lab, University of Washington).